The following is an entry in ClinVar:

NM_001292063.2(OTOG):c.4204G>A (p.Asp1402Asn)

Gene: OTOG (otogelin; plus strand). Cytogenetic location: 11p15.1.
Variant type: single nucleotide variant.
Coding change: c.4204G>A on transcript NM_001292063.2 (MANE Select); coding-DNA position 4204, G replaced by A.
Protein change: p.Asp1402Asn; replaces aspartic acid 1402 with asparagine.
Molecular consequence: missense variant.
Genome position (GRCh38, 1-based): chr11:17,608,343, G>A. VCF-style: chr11-17608343-G-A. GRCh37 (hg19) VCF-style: chr11-17629890-G-A.
Other names: c.4240G>A, p.Asp1414Asn (NM_001277269.2); short protein forms D1402N, D1414N.
Identifiers: ClinVar variation 1196719 (VCV001196719.12), dbSNP rs934642427, ClinGen allele CA218474050.

ClinVar aggregate classification (germline): Uncertain significance. Review status: criteria provided, multiple submitters, no conflicts (2 of 4 stars). 5 submissions from 5 submitters: Uncertain significance (5). Last evaluated 2026-02-05.

Conditions:
OTOG-related disorder. Also called: OTOG-related condition.

Allele frequency attached by ClinVar (database versions not stated): gnomAD exomes 0.00007; gnomAD 0.00014 and 0.00015.
gnomAD v4.1: 309 of 1,547,360 alleles (0.02%); highest among the groups gnomAD compares: Non-Finnish European, 0.025%; no homozygotes.

Submissions (5):

GeneDx
Classification: Uncertain significance. Last evaluated: 2026-02-05. Review status: criteria provided, single submitter. Criteria: GeneDx Variant Classification Process June 2021. Collection method: clinical testing. Allele origin: germline. Affected: yes.
Comment: In silico analysis, which includes protein predictors and evolutionary conservation, supports a deleterious effect; Has not been previously published as pathogenic or benign to our knowledge

Labcorp Genetics (formerly Invitae), Labcorp
Classification: Uncertain significance. Last evaluated: 2025-05-01. Review status: criteria provided, single submitter. Criteria: Invitae Variant Classification Sherloc (09022015). Collection method: clinical testing. Allele origin: germline.
Comment: This sequence change replaces aspartic acid, which is acidic and polar, with asparagine, which is neutral and polar, at codon 1414 of the OTOG protein (p.Asp1414Asn). This variant is present in population databases (no rsID available, gnomAD 0.02%). This variant has not been reported in the literature in individuals affected with OTOG-related conditions. ClinVar contains an entry for this variant (Variation ID: 1196719). An algorithm developed to predict the effect of missense changes on protein structure and function (PolyPhen-2) suggests that this variant is likely to be disruptive. In summary, the available evidence is currently insufficient to determine the role of this variant in disease. Therefore, it has been classified as a Variant of Uncertain Significance.

PreventionGenetics, part of Exact Sciences
Classification: Uncertain significance for OTOG-related condition. Last evaluated: 2025-04-15. Review status: criteria provided, single submitter. Criteria: ACMG Guidelines, 2015. Collection method: clinical testing. Allele origin: germline.
Comment: The OTOG c.4240G>A variant is predicted to result in the amino acid substitution p.Asp1414Asn. To our knowledge, this variant has not been reported in the literature. This variant is reported in 0.016% of alleles in individuals of European (Non-Finnish) descent in gnomAD. At this time, the clinical significance of this variant is uncertain due to the absence of conclusive functional and genetic evidence.

Blueprint Genetics
Classification: Uncertain significance. Last evaluated: 2024-11-27. Review status: criteria provided, single submitter. Criteria: ACMG Guidelines, 2015. Collection method: clinical testing. Allele origin: germline.

Breakthrough Genomics
Classification: Uncertain significance. Review status: criteria provided, single submitter. Criteria: ACMG Guidelines, 2015. Collection method: not provided. Allele origin: germline. Inheritance: Autosomal recessive inheritance. Affected: yes.